The following is an entry in ClinVar:

NM_004538.6(NAP1L3):c.1407G>A (p.Gly469=)

Gene: NAP1L3 (nucleosome assembly protein 1 like 3; minus strand). Cytogenetic location: Xq21.32.
Variant type: single nucleotide variant.
Coding change: c.1407G>A on transcript NM_004538.6 (MANE Select); coding-DNA position 1407, G replaced by A.
Protein change: p.Gly469=; no amino-acid change (glycine 469 retained).
Molecular consequence: synonymous variant.
Genome position (GRCh38, 1-based): chrX:93,671,898, C>T on the plus strand (G>A on the coding strand, the complement: NAP1L3 is on the minus strand). VCF-style: chrX-93671898-C-T. GRCh37 (hg19) VCF-style: chrX-92926897-C-T.
Identifiers: ClinVar variation 2661017 (VCV002661017.24), dbSNP rs750774700, ClinGen allele CA10467493.

ClinVar aggregate classification (germline): Likely benign (1 of 4 stars; one submission).

Allele frequency attached by ClinVar (database versions not stated): gnomAD exomes below 0.00001; TOPMed 0.00001.

Submission:

CeGaT Center for Human Genetics Tuebingen
Classification: Likely benign. Last evaluated: 2022-04-01. Review status: criteria provided, single submitter. Criteria: CeGaT Center For Human Genetics Tuebingen Variant Classification Criteria Version 2. Collection method: clinical testing. Allele origin: germline. Affected: yes. Observed: 1 variant allele.
Comment: NAP1L3: BP4, BP7